The following is an entry in ClinVar:

NM_001378454.1(ALMS1):c.1791_1798dup (p.Lys600delinsArgLeuTer)

Gene: ALMS1 (ALMS1 centrosome and basal body associated protein; plus strand). Cytogenetic location: 2p13.1.
Variant type: Duplication.
Coding change: c.1791_1798dup on transcript NM_001378454.1 (MANE Select); coding-DNA positions 1791 to 1798, 8 bases duplicated (GGCTTTGA; older notation c.1791_1798dupGGCTTTGA).
Protein change: p.Lys600delinsArgLeuTer.
Molecular consequence: nonsense.
Genome position (GRCh38, 1-based): chr2:73,448,318-73,448,325, GGCTTTGA duplicated; duplicating any 8 consecutive bases within chr2:73,448,316-73,448,325 gives the same sequence; the c. name uses the placement nearest the transcript's 3' end. VCF-style (leftmost placement, unchanged base first): chr2-73448315-A-AGAGGCTTT. GRCh37 (hg19) VCF-style: chr2-73675442-A-AGAGGCTTT.
Other names: c.1794_1801dup, p.Lys601delinsArgLeuTer (NM_015120.4); c.1794_1801dupGGCTTTGA (NM_015120.4).
Identifiers: ClinVar variation 92190 (VCV000092190.5), dbSNP rs398122991, ClinGen allele CA220115.
Genomic context (GRCh38, chr2:73,448,315, plus strand): 5'-ACATAGGGGGAAGCCCAGCATTTTCTACCAGCAGGGCTTGCCAGACAGTCATCTAACTGA[A>AGAGGCTTT]GAGGCTTTGAAAGTTTCAGCTGCTCCTGGACTAGCTGACCAGACAACTGGCATGTCAACT-3'

ClinVar aggregate classification (germline): Pathogenic. Review status: criteria provided, multiple submitters, no conflicts (2 of 4 stars). 4 submissions from 4 submitters: Pathogenic (3). 1 of the submissions does not count toward it. Last evaluated 2025-04-08.

Conditions:
ALMS1-related disorder. Also called: ALMS1-related condition.
Alstrom syndrome (ALMS). Identifiers: Orphanet 64, MedGen C0268425, MONDO:0008763, OMIM 203800.

Submissions (4):

Labcorp Genetics (formerly Invitae), Labcorp
Classification: Pathogenic for Alstrom syndrome. Last evaluated: 2025-04-08. Review status: criteria provided, single submitter. Criteria: Invitae Variant Classification Sherloc (09022015). Collection method: clinical testing. Allele origin: germline.
Comment: This sequence change creates a premature translational stop signal (p.Lys601Argfs*3) in the ALMS1 gene. It is expected to result in an absent or disrupted protein product. Loss-of-function variants in ALMS1 are known to be pathogenic (PMID: 17594715). This variant is not present in population databases (gnomAD no frequency). This premature translational stop signal has been observed in individual(s) with ALMS1-related conditions (PMID: 24595103). ClinVar contains an entry for this variant (Variation ID: 92190). For these reasons, this variant has been classified as Pathogenic.

Blueprint Genetics
Classification: Pathogenic for ALMS1-related disorders. Last evaluated: 2019-06-17. Review status: criteria provided, single submitter. Criteria: ACMG Guidelines, 2015. Collection method: clinical testing. Allele origin: germline. Affected: yes. Observed: 1 variant allele.

Baylor-Hopkins Center for Mendelian Genomics, Johns Hopkins University School of Medicine
Classification: Pathogenic for Alstrom syndrome. Review status: criteria provided, single submitter. Criteria: Submitter's publication. Collection method: research. Allele origin: germline. Affected: yes. Observed: 1 compound heterozygote.

Johns Hopkins Genetic Resources Core Facility; Johns Hopkins University
No classification provided. Review status: no classification provided. Collection method: not provided. Allele origin: germline. Not counted in ClinVar's aggregate classification.

Literature cited by the submitters: PubMed 17594715 (cited by Labcorp Genetics (formerly Invitae), Labcorp); PubMed 24595103 (cited by Labcorp Genetics (formerly Invitae), Labcorp).